The following is an entry in ClinVar:

ClinVar aggregate classification (germline): Likely benign (1 of 4 stars; one submission).

Allele frequency attached by ClinVar (database versions not stated): gnomAD exomes 0.00001; ExAC 0.00002; gnomAD 0.00002; TOPMed 0.00002.
gnomAD v4.1: 28 of 1,614,044 alleles (0.0017%); highest among the groups gnomAD compares: African/African-American, 0.017%; no homozygotes.

Submission:

CeGaT Center for Human Genetics Tuebingen
Classification: Likely benign. Last evaluated: 2022-06-01. Review status: criteria provided, single submitter. Criteria: CeGaT Center For Human Genetics Tuebingen Variant Classification Criteria Version 2. Collection method: clinical testing. Allele origin: germline. Affected: yes. Observed: 1 variant allele.
Comment: CCDC181: BP4, BP7

NM_001300969.2(CCDC181):c.882A>G (p.Pro294=)

Gene: CCDC181 (coiled-coil domain containing 181; minus strand). Cytogenetic location: 1q24.2.
Variant type: single nucleotide variant.
Coding change: c.882A>G on transcript NM_001300969.2 (MANE Select); coding-DNA position 882, A replaced by G.
Protein change: p.Pro294=; no amino-acid change (proline 294 retained).
Molecular consequence: synonymous variant.
Genome position (GRCh38, 1-based): chr1:169,421,549, T>C on the plus strand (A>G on the coding strand, the complement: CCDC181 is on the minus strand). VCF-style: chr1-169421549-T-C. GRCh37 (hg19) VCF-style: chr1-169390787-T-C.
Other names: c.882A>G, p.Pro294= (NM_001300968.1, NM_001394007.1, NM_001394008.1 and 2 more transcripts).
Identifiers: ClinVar variation 2639534 (VCV002639534.24), dbSNP rs113005897, ClinGen allele CA1232639.